The following is an entry in ClinVar:

NM_001244008.2(KIF1A):c.882+7G>A

Gene: KIF1A (kinesin family member 1A; minus strand). Cytogenetic location: 2q37.3.
Variant type: single nucleotide variant.
Coding change: c.882+7G>A on transcript NM_001244008.2 (MANE Select); 7 bases into the intron after coding-DNA position 882, G replaced by A.
Molecular consequence: intron variant.
Genome position (GRCh38, 1-based): chr2:240,782,583, C>T on the plus strand (G>A on the coding strand, the complement: KIF1A is on the minus strand). VCF-style: chr2-240782583-C-T. GRCh37 (hg19) VCF-style: chr2-241722000-C-T.
Other names: c.882+7G>A (NM_001379653.1, NM_001379650.1, NM_001379645.1 and 21 more transcripts).
Identifiers: ClinVar variation 3752747 (VCV003752747.3).

ClinVar aggregate classification (germline): Likely benign. Review status: criteria provided, multiple submitters, no conflicts (2 of 4 stars). 2 submissions from 2 submitters: Likely benign (2). Last evaluated 2025-10-03.

Conditions:
Neuropathy, hereditary sensory, type 2C. Also called: KIF1A-Related HSAN2 (HSAN2C); Hereditary sensory and autonomic neuropathy type IIC. Identifiers: Orphanet 970, MedGen C3280168, MONDO:0013634, OMIM 614213.
Hereditary spastic paraplegia 30. Identifiers: Orphanet 101010, MedGen C5235139, MONDO:0012476.
Intellectual disability, autosomal dominant 9 (NESCAVS). Also called: KIF1A-Related Neurodevelopmental Disorder; NESCAV SYNDROME. Identifiers: Orphanet 662367, MedGen C5393830, MONDO:0013656, OMIM 614255.

gnomAD v4.1: 9 of 1,552,332 alleles (0.00058%); highest among the groups gnomAD compares: South Asian, 0.0048%; no homozygotes.

Submissions (2):

Athena Diagnostics
Classification: Likely benign. Last evaluated: 2025-10-03. Review status: criteria provided, single submitter. Criteria: Athena Diagnostics Criteria. Collection method: clinical testing. Allele origin: unknown.
Comment: Computational tools yielded predictions that this variant is unlikely to have an effect on normal RNA splicing. This nucleotide position exhibits low evolutionary conservation.

Labcorp Genetics (formerly Invitae), Labcorp
Classification: Likely benign for Hereditary spastic paraplegia 30; Neuropathy, hereditary sensory, type 2C; Intellectual disability, autosomal dominant 9. Last evaluated: 2025-07-07. Review status: criteria provided, single submitter. Criteria: Invitae Variant Classification Sherloc (09022015). Collection method: clinical testing. Allele origin: germline.